The following is an entry in ClinVar:

NM_000038.6(APC):c.5310_5312del (p.Lys1771del)

Gene: APC (APC regulator of Wnt signaling pathway; plus strand). Cytogenetic location: 5q22.2.
Variant type: Deletion.
Coding change: c.5310_5312del on transcript NM_000038.6 (MANE Select); coding-DNA positions 5310 to 5312, 3 bases deleted (GAA; older notation c.5310_5312delGAA).
Protein change: p.Lys1771del; deletes lysine 1771.
Molecular consequence: non-coding transcript variant (on NR_176365.1).
Genome position (GRCh38, 1-based): chr5:112,840,904-112,840,906, GAA deleted; deleting any 3 consecutive bases within chr5:112,840,902-112,840,906 gives the same sequence; the c. name uses the placement nearest the transcript's 3' end. VCF-style (leftmost placement, unchanged base first): chr5-112840901-AAAG-A. GRCh37 (hg19) VCF-style: chr5-112176598-AAAG-A.
Other names: c.5310_5312del, p.Lys1771del (NM_001127510.3, NM_001354895.2, NM_001407450.1); c.5256_5258del, p.Lys1753del (NM_001127511.3); c.5364_5366del, p.Lys1789del (NM_001354896.2, NM_001407447.1, NM_001407448.1 and 1 more transcripts); c.5340_5342del, p.Lys1781del (NM_001354897.2); c.5235_5237del, p.Lys1746del (NM_001354898.2); c.5226_5228del, p.Lys1743del (NM_001354899.2); c.5187_5189del, p.Lys1730del (NM_001354900.2); c.5133_5135del, p.Lys1712del (NM_001354901.2, NM_001407453.1); and 11 more; short protein forms K1488del, K1680del, K1688del, K1743del, K1799del, K1611del, K1746del, K1753del.
Identifiers: ClinVar variation 3703687 (VCV003703687.2).

ClinVar aggregate classification (germline): Uncertain significance (1 of 4 stars; one submission).

Conditions:
Familial adenomatous polyposis 1 (FAP1). Also called: POLYPOSIS, ADENOMATOUS INTESTINAL; FAMILIAL ADENOMATOUS POLYPOSIS 1, ATTENUATED. Identifiers: MedGen C2713442, MONDO:0021056, OMIM 175100. Disease mechanism: loss of function.

Submission:

Labcorp Genetics (formerly Invitae), Labcorp
Classification: Uncertain significance for Familial adenomatous polyposis 1. Last evaluated: 2024-05-28. Review status: criteria provided, single submitter. Criteria: Invitae Variant Classification Sherloc (09022015). Collection method: clinical testing. Allele origin: germline.
Comment: This variant, c.5310_5312del, results in the deletion of 1 amino acid(s) of the APC protein (p.Lys1771del), but otherwise preserves the integrity of the reading frame. This variant is not present in population databases (gnomAD no frequency). This variant has not been reported in the literature in individuals affected with APC-related conditions. Experimental studies and prediction algorithms are not available or were not evaluated, and the functional significance of this variant is currently unknown. In summary, the available evidence is currently insufficient to determine the role of this variant in disease. Therefore, it has been classified as a Variant of Uncertain Significance.